The following is an entry in ClinVar:

NM_000388.4(CASR):c.2135C>A (p.Thr712Asn)

Gene: CASR (calcium sensing receptor; plus strand). Cytogenetic location: 3q21.1.
Variant type: single nucleotide variant.
Coding change: c.2135C>A on transcript NM_000388.4 (MANE Select); coding-DNA position 2135, C replaced by A.
Protein change: p.Thr712Asn; replaces threonine 712 with asparagine.
Molecular consequence: missense variant.
Genome position (GRCh38, 1-based): chr3:122,284,089, C>A. VCF-style: chr3-122284089-C-A. GRCh37 (hg19) VCF-style: chr3-122002936-C-A.
Other names: c.2165C>A, p.Thr722Asn (NM_001178065.2); short protein forms T712N, T722N.
Identifiers: ClinVar variation 861919 (VCV000861919.12), dbSNP rs746383651, ClinGen allele CA2569782.
Genomic context (GRCh38, chr3:122,284,089, plus strand): 5'-TCTCATGCATCCTGGTGAAAACCAACCGTGTCCTCCTGGTGTTTGAGGCCAAGATCCCCA[C>A]CAGCTTCCACCGCAAGTGGTGGGGGCTCAACCTGCAGTTCCTGCTGGTTTTCCTCTGCAC-3'
Protein context (NP_000379.3, residues 702-722): VLLVFEAKIP[Thr712Asn]SFHRKWWGLN

ClinVar aggregate classification (germline): Uncertain significance. Review status: criteria provided, multiple submitters, no conflicts (2 of 4 stars). 2 submissions from 2 submitters: Uncertain significance (2). Last evaluated 2025-05-26.

Conditions:
Familial hypocalciuric hypercalcemia (FHH). Also called: Familial benign hypercalcemia. Identifiers: Orphanet 405, MedGen C1809471, MONDO:0018458.
Autosomal dominant hypocalcemia 1 (HYPOC1). Also called: HYPOCALCEMIA, FAMILIAL. Identifiers: MedGen C3715128, MONDO:0011013, OMIM 601198.
Nephrolithiasis/nephrocalcinosis. Identifiers: MedGen CN580796.

Allele frequency attached by ClinVar (database versions not stated): gnomAD exomes 0.00001 and below 0.00001; ExAC 0.00001.
gnomAD v4.1: 2 of 1,614,192 alleles (0.00012%); highest among the groups gnomAD compares: Admixed American, 0.0033%; no homozygotes.

Submissions (2):

Labcorp Genetics (formerly Invitae), Labcorp
Classification: Uncertain significance for Familial hypocalciuric hypercalcemia; Autosomal dominant hypocalcemia 1. Last evaluated: 2025-05-26. Review status: criteria provided, single submitter. Criteria: Invitae Variant Classification Sherloc (09022015). Collection method: clinical testing. Allele origin: germline.
Comment: This sequence change replaces threonine, which is neutral and polar, with asparagine, which is neutral and polar, at codon 712 of the CASR protein (p.Thr712Asn). This variant is present in population databases (rs746383651, gnomAD 0.006%). This variant has not been reported in the literature in individuals affected with CASR-related conditions. ClinVar contains an entry for this variant (Variation ID: 861919). An algorithm developed to predict the effect of missense changes on protein structure and function (PolyPhen-2) suggests that this variant is likely to be disruptive. In summary, the available evidence is currently insufficient to determine the role of this variant in disease. Therefore, it has been classified as a Variant of Uncertain Significance.

Ambry Genetics
Classification: Uncertain significance for Nephrolithiasis/nephrocalcinosis. Last evaluated: 2022-10-20. Review status: criteria provided, single submitter. Criteria: Ambry Variant Classification Scheme 2023. Collection method: clinical testing. Allele origin: germline.
Comment: The p.T712N variant (also known as c.2135C>A), located in coding exon 6 of the CASR gene, results from a C to A substitution at nucleotide position 2135. The threonine at codon 712 is replaced by asparagine, an amino acid with similar properties. This amino acid position is conserved. In addition, the in silico prediction for this alteration is inconclusive. Since supporting evidence is limited at this time, the clinical significance of this alteration remains unclear.